The following is an entry in ClinVar:

NM_020779.4(WDR35):c.485T>C (p.Val162Ala)

Gene: WDR35 (WD repeat domain 35; minus strand). Cytogenetic location: 2p24.1.
Variant type: single nucleotide variant.
Coding change: c.485T>C on transcript NM_020779.4 (MANE Select); coding-DNA position 485, T replaced by C.
Protein change: p.Val162Ala; replaces valine 162 with alanine.
Molecular consequence: missense variant.
Genome position (GRCh38, 1-based): chr2:19,975,615, A>G on the plus strand (T>C on the coding strand, the complement: WDR35 is on the minus strand). VCF-style: chr2-19975615-A-G. GRCh37 (hg19) VCF-style: chr2-20175376-A-G.
Other names: c.485T>C, p.Val162Ala (NM_001006657.2); short protein forms V162A.
Identifiers: ClinVar variation 1428791 (VCV001428791.3), dbSNP rs754439440, ClinGen allele CA1543510.
Genomic context (GRCh38, chr2:19,975,615, plus strand): 5'-ATGTGTATTTCCCCATTTGCCATTCCAAAAAGTAAGACTTTACTGTCCGCAGACCATGTT[A>G]CATGGGATAGCTGTATACCCTTCAGGTCTTTTCCCCAAATACGATTGCCTAAAACAAAAC-3'
Protein context (NP_065830.2, residues 152-172): KDLKGIQLSH[Val162Ala]TWSADSKVLL

ClinVar aggregate classification (germline): Uncertain significance (1 of 4 stars; one submission).

Conditions:
Cranioectodermal dysplasia 2 (CED2). Identifiers: Orphanet 1515, MedGen C3150874, MONDO:0013323, OMIM 613610.
Short-rib thoracic dysplasia 7 with or without polydactyly (SRTD7). Also called: Short rib polydactyly syndrome 5; SHORT-RIB THORACIC DYSPLASIA 7 WITH POLYDACTYLY. Identifiers: Orphanet 498497, Orphanet 93271, MedGen C3279792, MONDO:0013569, OMIM 614091.

Allele frequency attached by ClinVar (database versions not stated): gnomAD exomes below 0.00001 and 0.00001; TOPMed below 0.00001; ExAC 0.00001; gnomAD 0.00001.
gnomAD v4.1: 6 of 1,614,016 alleles (0.00037%); highest among the groups gnomAD compares: Middle Eastern, 0.016%; no homozygotes.

Submission:

Labcorp Genetics (formerly Invitae), Labcorp
Classification: Uncertain significance for Cranioectodermal dysplasia 2; Short-rib thoracic dysplasia 7 with or without polydactyly. Last evaluated: 2022-06-27. Review status: criteria provided, single submitter. Criteria: Invitae Variant Classification Sherloc (09022015). Collection method: clinical testing. Allele origin: germline.
Comment: This sequence change replaces valine, which is neutral and non-polar, with alanine, which is neutral and non-polar, at codon 162 of the WDR35 protein (p.Val162Ala). This variant is present in population databases (rs754439440, gnomAD 0.006%). This variant has not been reported in the literature in individuals affected with WDR35-related conditions. Algorithms developed to predict the effect of missense changes on protein structure and function (SIFT, PolyPhen-2, Align-GVGD) all suggest that this variant is likely to be tolerated. In summary, the available evidence is currently insufficient to determine the role of this variant in disease. Therefore, it has been classified as a Variant of Uncertain Significance.